The following is an entry in ClinVar:

ClinVar aggregate classification (germline): Uncertain significance (1 of 4 stars; one submission).

Submission:

Ambry Genetics
Classification: Uncertain significance. Last evaluated: 2026-02-25. Review status: criteria provided, single submitter. Criteria: Ambry Variant Classification Scheme 2023. Collection method: clinical testing. Allele origin: germline.
Comment: The p.G25R variant (also known as c.73G>C), located in coding exon 1 of the WNK2 gene, results from a G to C substitution at nucleotide position 73. The glycine at codon 25 is replaced by arginine, an amino acid with dissimilar properties. This amino acid position is conserved. In addition, this alteration is predicted to be tolerated by in silico analysis. Based on the available evidence, the clinical significance of this variant remains unclear.

NM_006648.4(WNK2):c.73G>C (p.Gly25Arg)

Gene: WNK2 (WNK lysine deficient protein kinase 2; plus strand). Cytogenetic location: 9q22.31.
Variant type: single nucleotide variant.
Coding change: c.73G>C on transcript NM_006648.4 (MANE Select); coding-DNA position 73, G replaced by C.
Protein change: p.Gly25Arg; replaces glycine 25 with arginine.
Molecular consequence: missense variant.
Genome position (GRCh38, 1-based): chr9:93,185,002, G>C. VCF-style: chr9-93185002-G-C. GRCh37 (hg19) VCF-style: chr9-95947284-G-C.
Other names: c.73G>C, p.Gly25Arg (NM_001282394.3); short protein forms G25R.
Identifiers: ClinVar variation 4826218 (VCV004826218.1).
Genomic context (GRCh38, chr9:93,185,002, plus strand): 5'-GGCGGCCGCCGAGACGTCCCCGGCACGCTGATGGAGCCCGGGCGCGGCGCGGGGCCCGCG[G>C]GCATGGCGGAGCCTCGGGCGAAGGCGGCGCGGCCGGGGCCCCAGCGCTTTCTGCGGCGCA-3'
Protein context (NP_006639.3, residues 15-35): MEPGRGAGPA[Gly25Arg]MAEPRAKAAR